The following is an entry in ClinVar:

NM_006059.4(LAMC3):c.719G>A (p.Arg240Gln)

Gene: LAMC3 (laminin subunit gamma 3; plus strand). Cytogenetic location: 9q34.12.
Variant type: single nucleotide variant.
Coding change: c.719G>A on transcript NM_006059.4 (MANE Select); coding-DNA position 719, G replaced by A.
Protein change: p.Arg240Gln; replaces arginine 240 with glutamine.
Molecular consequence: missense variant.
Genome position (GRCh38, 1-based): chr9:131,032,085, G>A. VCF-style: chr9-131032085-G-A. GRCh37 (hg19) VCF-style: chr9-133907472-G-A.
Other names: short protein forms R240Q.
Identifiers: ClinVar variation 2176143 (VCV002176143.1), dbSNP rs780094604, ClinGen allele CA5286787.

ClinVar aggregate classification (germline): Uncertain significance (1 of 4 stars; one submission).

Allele frequency attached by ClinVar (database versions not stated): ExAC 0.00001; gnomAD 0.00001; TOPMed 0.00001; gnomAD exomes 0.00002.
gnomAD v4.1: 28 of 1,613,920 alleles (0.0017%); highest among the groups gnomAD compares: Middle Eastern, 0.28%; 1 homozygote.

Submission:

Labcorp Genetics (formerly Invitae), Labcorp
Classification: Uncertain significance. Last evaluated: 2022-01-03. Review status: criteria provided, single submitter. Criteria: Invitae Variant Classification Sherloc (09022015). Collection method: clinical testing. Allele origin: germline.
Comment: This sequence change replaces arginine, which is basic and polar, with glutamine, which is neutral and polar, at codon 240 of the LAMC3 protein (p.Arg240Gln). This variant is present in population databases (rs780094604, gnomAD 0.0009%). This variant has not been reported in the literature in individuals affected with LAMC3-related conditions. Algorithms developed to predict the effect of missense changes on protein structure and function (SIFT, PolyPhen-2, Align-GVGD) all suggest that this variant is likely to be disruptive. Algorithms developed to predict the effect of sequence changes on RNA splicing suggest that this variant may create or strengthen a splice site. In summary, the available evidence is currently insufficient to determine the role of this variant in disease. Therefore, it has been classified as a Variant of Uncertain Significance.